The following is an entry in ClinVar:

ClinVar aggregate classification (germline): Uncertain significance (1 of 4 stars; one submission).

Allele frequency attached by ClinVar (database versions not stated): gnomAD exomes below 0.00001; TOPMed 0.00002; gnomAD 0.00003; ESP Exome Variant Server 0.00008.
gnomAD v4.1: 12 of 1,614,078 alleles (0.00074%); highest among the groups gnomAD compares: African/African-American, 0.008%; no homozygotes.

Submission:

Ambry Genetics
Classification: Uncertain significance. Last evaluated: 2022-05-27. Review status: criteria provided, single submitter. Criteria: Ambry Variant Classification Scheme 2023. Collection method: clinical testing. Allele origin: germline.
Comment: The p.R340C variant (also known as c.1018C>T), located in coding exon 6 of the PKP4 gene, results from a C to T substitution at nucleotide position 1018. The arginine at codon 340 is replaced by cysteine, an amino acid with highly dissimilar properties. This amino acid position is conserved. In addition, this alteration is predicted to be deleterious by in silico analysis. Since supporting evidence is limited at this time, the clinical significance of this alteration remains unclear.

NM_003628.6(PKP4):c.1018C>T (p.Arg340Cys)

Gene: PKP4 (plakophilin 4; plus strand). Cytogenetic location: 2q24.1.
Variant type: single nucleotide variant.
Coding change: c.1018C>T on transcript NM_003628.6 (MANE Select); coding-DNA position 1018, C replaced by T.
Protein change: p.Arg340Cys; replaces arginine 340 with cysteine.
Molecular consequence: missense variant. On other transcripts: 5 prime UTR variant (1).
Genome position (GRCh38, 1-based): chr2:158,625,292, C>T. VCF-style: chr2-158625292-C-T. GRCh37 (hg19) VCF-style: chr2-159481804-C-T.
Other names: c.1018C>T, p.Arg340Cys (NM_001005476.4, NM_001304969.3, NM_001304971.2 and 6 more transcripts); c.-9C>T (NM_001304970.3); c.1012C>T, p.Arg338Cys (NM_001377222.1, NM_001377223.1, NM_001377224.1); short protein forms R340C, R338C.
Identifiers: ClinVar variation 1750272 (VCV001750272.2), dbSNP rs371693650, ClinGen allele CA58651070.